The following is an entry in ClinVar:

NM_006087.4(TUBB4A):c.535G>A (p.Val179Met)

Gene: TUBB4A (tubulin beta 4A class IVa; minus strand). Cytogenetic location: 19p13.3.
Variant type: single nucleotide variant.
Coding change: c.535G>A on transcript NM_006087.4 (MANE Select); coding-DNA position 535, G replaced by A.
Protein change: p.Val179Met; replaces valine 179 with methionine.
Molecular consequence: missense variant.
Genome position (GRCh38, 1-based): chr19:6,495,964, C>T on the plus strand (G>A on the coding strand, the complement: TUBB4A is on the minus strand). VCF-style: chr19-6495964-C-T. GRCh37 (hg19) VCF-style: chr19-6495975-C-T.
Other names: c.688G>A, p.Val230Met (NM_001289123.2); c.670G>A, p.Val224Met (NM_001289127.2); c.535G>A, p.Val179Met (NM_001289129.2); c.319G>A, p.Val107Met (NM_001289130.2, NM_001289131.2); short protein forms V224M, V230M, V107M, V179M.
Identifiers: ClinVar variation 2033779 (VCV002033779.4), dbSNP rs1057517986, ClinGen allele CA403592070.

ClinVar aggregate classification (germline): Uncertain significance (1 of 4 stars; one submission).

Conditions:
Leukodystrophy, hypomyelinating, 6. Also called: LEUKODYSTROPHY, HYPOMYELINATING, WITH ATROPHY OF THE BASAL GANGLIA AND CEREBELLUM; TUBB4A-Associated Leukodystrophy; Hypomyelination with Atrophy of Basal Ganglia and Cerebellum (H-ABC). Identifiers: Orphanet 139441, MedGen C2676244, MONDO:0012905, OMIM 612438.

Submission:

Labcorp Genetics (formerly Invitae), Labcorp
Classification: Uncertain significance for Leukodystrophy, hypomyelinating, 6. Last evaluated: 2022-10-02. Review status: criteria provided, single submitter. Criteria: Invitae Variant Classification Sherloc (09022015). Collection method: clinical testing. Allele origin: germline.
Comment: This variant has not been reported in the literature in individuals affected with TUBB4A-related conditions. This sequence change replaces valine, which is neutral and non-polar, with methionine, which is neutral and non-polar, at codon 179 of the TUBB4A protein (p.Val179Met). This variant is not present in population databases (gnomAD no frequency). Advanced modeling of protein sequence and biophysical properties (such as structural, functional, and spatial information, amino acid conservation, physicochemical variation, residue mobility, and thermodynamic stability) performed at Invitae indicates that this missense variant is expected to disrupt TUBB4A protein function. This variant disrupts the p.Val179 amino acid residue in TUBB4A. Other variant(s) that disrupt this residue have been determined to be pathogenic (PMID: 25697102). This suggests that this residue is clinically significant, and that variants that disrupt this residue are likely to be disease-causing. In summary, the available evidence is currently insufficient to determine the role of this variant in disease. Therefore, it has been classified as a Variant of Uncertain Significance.

Literature cited by the submitters: PubMed 25697102.